The following is an entry in ClinVar:

NM_006231.4(POLE):c.3378+4A>T

Gene: POLE (DNA polymerase epsilon, catalytic subunit; minus strand). Cytogenetic location: 12q24.33.
Variant type: single nucleotide variant.
Coding change: c.3378+4A>T on transcript NM_006231.4 (MANE Select); 4 bases into the intron after coding-DNA position 3378, A replaced by T.
Molecular consequence: intron variant.
Genome position (GRCh38, 1-based): chr12:132,657,864, T>A on the plus strand (A>T on the coding strand, the complement: POLE is on the minus strand). VCF-style: chr12-132657864-T-A. GRCh37 (hg19) VCF-style: chr12-133234450-T-A.
Other names: c.3378+4A>T (NM_006231.2).
Identifiers: ClinVar variation 1026313 (VCV001026313.7), dbSNP rs2042580351, ClinGen allele CA2072993690.
Genomic context (GRCh38, chr12:132,657,864, plus strand): 5'-ATATTCTGCTCTGTCTAGCTTTCCTTGTAAACTTTTAAGAGTAGAGAACGCAACTGGCAC[T>A]CACTGCTCGAATATCAAAGTCTTGAAGGGAAGAGCTCTTGAGCCATTTCCGGAGAAAGTG-3'

ClinVar aggregate classification (germline): Uncertain significance. Review status: criteria provided, multiple submitters, no conflicts (2 of 4 stars). 2 submissions from 2 submitters: Uncertain significance (2). Last evaluated 2025-02-07.

Conditions:
Hereditary cancer-predisposing syndrome. Also called: Neoplastic Syndromes, Hereditary; Tumor predisposition; Hereditary Cancer Syndrome; Hereditary neoplastic syndrome. Identifiers: Orphanet 140162, MedGen C0027672, MeSH D009386, MONDO:0015356.

Submissions (2):

Ambry Genetics
Classification: Uncertain significance for Hereditary cancer-predisposing syndrome. Last evaluated: 2025-02-07. Review status: criteria provided, single submitter. Criteria: Ambry Variant Classification Scheme 2023. Collection method: clinical testing. Allele origin: germline.
Comment: The c.3378+4A>T intronic variant results from an A to T substitution 4 nucleotides after coding exon 27 in the POLE gene. This nucleotide position is highly conserved in available vertebrate species. In silico splice site analysis predicts that this alteration will weaken the native splice donor site. RNA studies have demonstrated that this alteration results in abnormal splicing in the set of samples tested (Ambry internal data). Although biallelic loss of function of POLE has been associated with autosomal recessive POLE deficiency, haploinsufficiency of POLE has not been established as a mechanism of disease for POLE-related polymerase proofreading-associated polyposis (PPAP) and POLE-related CMMRD-like syndrome. Based on the supporting evidence, this variant is expected to be causative of POLE deficiency when present along with a second pathogenic variant on the other allele; however, its clinical significance for PPAP and POLE-related CMMRD-like syndrome is unclear.

Labcorp Genetics (formerly Invitae), Labcorp
Classification: Uncertain significance. Last evaluated: 2023-10-15. Review status: criteria provided, single submitter. Criteria: Invitae Variant Classification Sherloc (09022015). Collection method: clinical testing. Allele origin: germline.
Comment: This sequence change falls in intron 27 of the POLE gene. It does not directly change the encoded amino acid sequence of the POLE protein. It affects a nucleotide within the consensus splice site. This variant is not present in population databases (gnomAD no frequency). This variant has not been reported in the literature in individuals affected with POLE-related conditions. ClinVar contains an entry for this variant (Variation ID: 1026313). Variants that disrupt the consensus splice site are a relatively common cause of aberrant splicing (PMID: 17576681, 9536098). Algorithms developed to predict the effect of sequence changes on RNA splicing suggest that this variant may disrupt the consensus splice site. In summary, the available evidence is currently insufficient to determine the role of this variant in disease. Therefore, it has been classified as a Variant of Uncertain Significance.

Literature cited by the submitters: PubMed 17576681 (cited by Labcorp Genetics (formerly Invitae), Labcorp); PubMed 9536098 (cited by Labcorp Genetics (formerly Invitae), Labcorp).